The following is an entry in ClinVar:

ClinVar aggregate classification (germline): Uncertain significance (1 of 4 stars; one submission).

Submission:

GeneDx
Classification: Uncertain significance. Last evaluated: 2026-03-31. Review status: criteria provided, single submitter. Criteria: GeneDx Variant Classification Process June 2021. Collection method: clinical testing. Allele origin: germline.
Comment: Not observed at significant frequency in large population cohorts (gnomAD); In silico analysis suggests that this missense variant does not alter protein structure/function; Has not been previously published as pathogenic or benign to our knowledge.

NM_032217.5(ANKRD17):c.3199C>G (p.Leu1067Val)

Gene: ANKRD17 (ankyrin repeat domain 17; minus strand). Cytogenetic location: 4q13.3.
Variant type: single nucleotide variant.
Coding change: c.3199C>G on transcript NM_032217.5 (MANE Select); coding-DNA position 3199, C replaced by G.
Protein change: p.Leu1067Val; replaces leucine 1067 with valine.
Molecular consequence: missense variant.
Genome position (GRCh38, 1-based): chr4:73,135,152, G>C on the plus strand (C>G on the coding strand, the complement: ANKRD17 is on the minus strand). VCF-style: chr4-73135152-G-C. GRCh37 (hg19) VCF-style: chr4-74000869-G-C.
Other names: c.2860C>G, p.Leu954Val (NM_001286771.3); c.3196C>G, p.Leu1066Val (NM_015574.2); c.2446C>G, p.Leu816Val (NM_198889.3); short protein forms L1066V, L1067V, L816V, L954V.
Identifiers: ClinVar variation 5017715 (VCV005017715.1).